The following is an entry in ClinVar:

NM_001009999.3(KDM1A):c.2445+54G>A

Gene: KDM1A (lysine demethylase 1A; plus strand). Cytogenetic location: 1p36.12.
Variant type: single nucleotide variant.
Coding change: c.2445+54G>A on transcript NM_001009999.3 (MANE Select); 54 bases into the intron after coding-DNA position 2445, G replaced by A.
Molecular consequence: intron variant.
Genome position (GRCh38, 1-based): chr1:23,082,420, G>A. VCF-style: chr1-23082420-G-A. GRCh37 (hg19) VCF-style: chr1-23408913-G-A.
Other names: c.2451+54G>A (NM_001410762.1); c.2391+54G>A (NM_001363654.2); c.2374-30G>A (NM_001410763.1); c.2373+54G>A (NM_015013.4).
Identifiers: ClinVar variation 3341872 (VCV003341872.16).

ClinVar aggregate classification (germline): Likely benign (1 of 4 stars; one submission).

gnomAD v4.1: 64 of 1,426,416 alleles (0.0045%); highest among the groups gnomAD compares: Middle Eastern, 0.022%; 1 homozygote.

Submission:

CeGaT Center for Human Genetics Tuebingen
Classification: Likely benign. Last evaluated: 2024-08-01. Review status: criteria provided, single submitter. Criteria: CeGaT Center For Human Genetics Tuebingen Variant Classification Criteria Version 2. Collection method: clinical testing. Allele origin: germline. Affected: yes. Observed: 1 variant allele.
Comment: KDM1A: PP2, BS1